The following is an entry in ClinVar:

ClinVar aggregate classification (germline): Likely pathogenic (1 of 4 stars; one submission).

Conditions:
Congenital neutropenia-myelofibrosis-nephromegaly syndrome. Also called: Severe congenital neutropenia 5, autosomal recessive. Identifiers: Orphanet 369852, MedGen C3809031, MONDO:0014118, OMIM 615285.

gnomAD v4.1: 6 of 1,612,658 alleles (0.00037%); highest among the groups gnomAD compares: African/African-American, 0.0027%; no homozygotes.

Submission:

Natera, Inc.
Classification: Likely pathogenic for Autosomal recessive severe congenital neutropenia 5. Last evaluated: 2024-11-24. Review status: criteria provided, single submitter. Criteria: Natera Variant Classification Schema (03/2026). Collection method: clinical testing. Allele origin: germline.
Comment: The c.1258C>T variant in VPS45 is a nonsense variant predicted to introduce a stop codon at amino acid 420. This variant is expected to result in nonsense mediated decay, truncation, or a dysfunctional protein product. This variant is rare in the general population with a frequency below the threshold expected for the associated phenotype(s). Given the available evidence, this variant is classified as Likely Pathogenic.

NM_007259.5(VPS45):c.1258C>T (p.Arg420Ter)

Gene: VPS45 (vacuolar protein sorting 45 homolog; plus strand). Cytogenetic location: 1q21.2.
Variant type: single nucleotide variant.
Coding change: c.1258C>T on transcript NM_007259.5 (MANE Select); coding-DNA position 1258, C replaced by T.
Protein change: p.Arg420Ter; replaces arginine 420 with a stop codon.
Molecular consequence: nonsense. On other transcripts: non-coding transcript variant (1).
Genome position (GRCh38, 1-based): chr1:150,092,090, C>T. VCF-style: chr1-150092090-C-T. GRCh37 (hg19) VCF-style: chr1-150064184-C-T.
Other names: c.943C>T, p.Arg315Ter (NM_001279353.2); c.1150C>T, p.Arg384Ter (NM_001279354.2); short protein forms R315*, R384*, R420*.
Identifiers: ClinVar variation 4815525 (VCV004815525.1).